The following is an entry in ClinVar:

ClinVar aggregate classification (germline): Likely benign. Review status: criteria provided, multiple submitters, no conflicts (2 of 4 stars). 2 submissions from 2 submitters: Likely benign (2). Last evaluated 2022-02-28.

Conditions:
Very long chain acyl-CoA dehydrogenase deficiency (ACADVLD). Also called: Very Long-Chain Acyl-Coenzyme A Dehydrogenase Deficiency; VLCAD Deficiency. Identifiers: Orphanet 26793, MedGen C3887523, MONDO:0008723, OMIM 201475.

Submissions (2):

Labcorp Genetics (formerly Invitae), Labcorp
Classification: Likely benign for Very long chain acyl-CoA dehydrogenase deficiency. Last evaluated: 2022-02-28. Review status: criteria provided, single submitter. Criteria: Invitae Variant Classification Sherloc (09022015). Collection method: clinical testing. Allele origin: germline.

GeneDx
Classification: Likely benign. Last evaluated: 2017-04-27. Review status: criteria provided, single submitter. Criteria: GeneDx Variant Classification (06012015). Collection method: clinical testing. Allele origin: germline. Affected: yes.
Comment: This variant is considered likely benign or benign based on one or more of the following criteria: it is a conservative change, it occurs at a poorly conserved position in the protein, it is predicted to be benign by multiple in silico algorithms, and/or has population frequency not consistent with disease.

NM_000018.4(ACADVL):c.972T>C (p.Gly324=)

Gene: ACADVL (acyl-CoA dehydrogenase very long chain; plus strand). Cytogenetic location: 17p13.1.
Variant type: single nucleotide variant.
Coding change: c.972T>C on transcript NM_000018.4 (MANE Select); coding-DNA position 972, T replaced by C.
Protein change: p.Gly324=; no amino-acid change (glycine 324 retained).
Molecular consequence: synonymous variant.
Genome position (GRCh38, 1-based): chr17:7,222,760, T>C. VCF-style: chr17-7222760-T-C. GRCh37 (hg19) VCF-style: chr17-7126079-T-C.
Other names: c.906T>C, p.Gly302= (NM_001033859.3); c.1041T>C, p.Gly347= (NM_001270447.2); c.744T>C, p.Gly248= (NM_001270448.2).
Identifiers: ClinVar variation 508935 (VCV000508935.5), dbSNP rs1555528483, ClinGen allele CA497620224.
Genomic context (GRCh38, chr17:7,222,760, plus strand): 5'-TTCAAACACAGCAGAGGTGTTCTTTGATGGAGTACGGGTGCCATCGGAGAACGTGCTGGG[T>C]GAGGTTGGGAGTGGCTTCAAGGTTGCCATGCACATCCTCAACAATGGAAGGTTTGGCATG-3'
Protein context (NP_000009.1, residues 314-334): GVRVPSENVL[Gly324=]EVGSGFKVAM